The following is an entry in ClinVar:

NM_002661.5(PLCG2):c.2843A>C (p.Glu948Ala)

Gene: PLCG2 (phospholipase C gamma 2; plus strand). Cytogenetic location: 16q23.3.
Variant type: single nucleotide variant.
Coding change: c.2843A>C on transcript NM_002661.5 (MANE Select); coding-DNA position 2843, A replaced by C.
Protein change: p.Glu948Ala; replaces glutamic acid 948 with alanine.
Molecular consequence: missense variant.
Genome position (GRCh38, 1-based): chr16:81,936,169, A>C. VCF-style: chr16-81936169-A-C. GRCh37 (hg19) VCF-style: chr16-81969774-A-C.
Other names: c.2843A>C, p.Glu948Ala (NM_001425749.1, NM_001425750.1, NM_001425751.1); short protein forms E948A.
Identifiers: ClinVar variation 2775847 (VCV002775847.3), dbSNP rs769969629, ClinGen allele CA396905516.
Genomic context (GRCh38, chr16:81,936,169, plus strand): 5'-CATTAAGAAAATGCACAGATGAGACACAGAAGTACTGATGACCTTTTTCTCTGTGTGCAG[A>C]AAATCCTGACTTCCGAGAAATCCGCTCCTTTGTGGAGACGAAGGCTGACAGCATCATCAG-3'
Protein context (NP_002652.2, residues 938-958): KPTSKTKDNL[Glu948Ala]NPDFREIRSF

ClinVar aggregate classification (germline): Uncertain significance (1 of 4 stars; one submission).

Conditions:
Familial cold autoinflammatory syndrome 3 (FCAS3). Also called: ANTIBODY DEFICIENCY AND IMMUNE DYSREGULATION, PLCG2-ASSOCIATED; FAMILIAL ATYPICAL COLD URTICARIA. Identifiers: Orphanet 300359, MedGen C3280914, MONDO:0013766, OMIM 614468.

Allele frequency attached by ClinVar (database versions not stated): gnomAD 0.00001.
gnomAD v4.1: 1 of 1,613,852 alleles (0.000062%); highest among the groups gnomAD compares: Admixed American, 0.0017%; no homozygotes.

Submission:

Labcorp Genetics (formerly Invitae), Labcorp
Classification: Uncertain significance for Familial cold autoinflammatory syndrome 3. Last evaluated: 2023-07-12. Review status: criteria provided, single submitter. Criteria: Invitae Variant Classification Sherloc (09022015). Collection method: clinical testing. Allele origin: germline.
Comment: In summary, the available evidence is currently insufficient to determine the role of this variant in disease. Therefore, it has been classified as a Variant of Uncertain Significance. An algorithm developed to predict the effect of missense changes on protein structure and function (PolyPhen-2) suggests that this variant is likely to be tolerated. This variant has not been reported in the literature in individuals affected with PLCG2-related conditions. This variant is not present in population databases (gnomAD no frequency). This sequence change replaces glutamic acid, which is acidic and polar, with alanine, which is neutral and non-polar, at codon 948 of the PLCG2 protein (p.Glu948Ala).